The following is an entry in ClinVar:

NM_019022.5(TMX3):c.925G>A (p.Val309Ile)

Gene: TMX3 (thioredoxin related transmembrane protein 3; minus strand). Cytogenetic location: 18q22.1.
Variant type: single nucleotide variant.
Coding change: c.925G>A on transcript NM_019022.5 (MANE Select); coding-DNA position 925, G replaced by A.
Protein change: p.Val309Ile; replaces valine 309 with isoleucine.
Molecular consequence: missense variant.
Genome position (GRCh38, 1-based): chr18:68,681,091, C>T on the plus strand (G>A on the coding strand, the complement: TMX3 is on the minus strand). VCF-style: chr18-68681091-C-T. GRCh37 (hg19) VCF-style: chr18-66348328-C-T.
Other names: c.844G>A, p.Val282Ile (NM_001350514.2); c.502G>A, p.Val168Ile (NM_001350515.2, NM_001350516.2, NM_001350517.2); short protein forms V168I, V282I, V309I.
Identifiers: ClinVar variation 3040971 (VCV003040971.2), dbSNP rs117449369, ClinGen allele CA8993017.

ClinVar aggregate classification (germline): Likely benign (0 of 4 stars; one submission).

Conditions:
TMX3-related disorder. Also called: TMX3-related condition.

Allele frequency attached by ClinVar (database versions not stated): 1000 Genomes Project 30x 0.00172; gnomAD 0.00198; 1000 Genomes Project 0.00200; ExAC 0.00202; TOPMed 0.00224; ESP Exome Variant Server 0.00261.
gnomAD v4.1: 4,922 of 1,574,074 alleles (0.31%); highest among the groups gnomAD compares: Non-Finnish European, 0.38%; 15 homozygotes.

Submission:

PreventionGenetics, part of Exact Sciences
Classification: Likely benign for TMX3-related condition. Last evaluated: 2022-02-08. Review status: no assertion criteria provided. Collection method: clinical testing. Allele origin: germline.
Comment: This variant is classified as likely benign based on ACMG/AMP sequence variant interpretation guidelines (Richards et al. 2015 PMID: 25741868, with internal and published modifications).